The following is an entry in ClinVar:

NM_014476.6(PDLIM3):c.812C>T (p.Thr271Met)

Gene: PDLIM3 (PDZ and LIM domain 3; minus strand). Cytogenetic location: 4q35.1.
Variant type: single nucleotide variant.
Coding change: c.812C>T on transcript NM_014476.6 (MANE Select); coding-DNA position 812, C replaced by T.
Protein change: p.Thr271Met; replaces threonine 271 with methionine.
Molecular consequence: missense variant. On other transcripts: non-coding transcript variant (1).
Genome position (GRCh38, 1-based): chr4:185,504,568, G>A on the plus strand (C>T on the coding strand, the complement: PDLIM3 is on the minus strand). VCF-style: chr4-185504568-G-A. GRCh37 (hg19) VCF-style: chr4-186425722-G-A.
Other names: c.668C>T, p.Thr223Met (NM_001114107.5); c.548C>T, p.Thr183Met (NM_001257962.2); c.311C>T, p.Thr104Met (NM_001257963.2); short protein forms T271M, T183M, T104M, T223M.
Identifiers: ClinVar variation 635227 (VCV000635227.9), dbSNP rs764497554, ClinGen allele CA3159680.

ClinVar aggregate classification (germline): Uncertain significance. Review status: criteria provided, multiple submitters, no conflicts (2 of 4 stars). 2 submissions from 2 submitters: Uncertain significance (2). Last evaluated 2025-11-12.

Conditions:
Primary dilated cardiomyopathy (DCM). Also called: Dilated Cardiomyopathy. Identifiers: Orphanet 217604, MedGen C0007193, MeSH D002311, MONDO:0005021, HP:0001644. Inheritance: Various modes of inheritance.
Hypertrophic cardiomyopathy. Also called: HYPERTROPHIC MYOCARDIOPATHY. Identifiers: Orphanet 217569, MedGen C0007194, MeSH D002312, MONDO:0005045, HP:0001639.

Allele frequency attached by ClinVar (database versions not stated): gnomAD exomes 0.00003; ExAC 0.00001; TOPMed 0.00002.
gnomAD v4.1: 26 of 1,613,952 alleles (0.0016%); highest among the groups gnomAD compares: Admixed American, 0.013%; no homozygotes.

Submissions (2):

Labcorp Genetics (formerly Invitae), Labcorp
Classification: Uncertain significance for Hypertrophic cardiomyopathy; Primary dilated cardiomyopathy. Last evaluated: 2025-11-12. Review status: criteria provided, single submitter. Criteria: Invitae Variant Classification Sherloc (09022015). Collection method: clinical testing. Allele origin: germline.
Comment: This sequence change replaces threonine, which is neutral and polar, with methionine, which is neutral and non-polar, at codon 271 of the PDLIM3 protein (p.Thr271Met). This variant is present in population databases (rs764497554, gnomAD 0.02%). This variant has not been reported in the literature in individuals affected with PDLIM3-related conditions. ClinVar contains an entry for this variant (Variation ID: 635227). Invitae Evidence Modeling of protein sequence and biophysical properties (such as structural, functional, and spatial information, amino acid conservation, physicochemical variation, residue mobility, and thermodynamic stability) indicates that this missense variant is not expected to disrupt PDLIM3 protein function with a negative predictive value of 80%. In summary, the available evidence is currently insufficient to determine the role of this variant in disease. Therefore, it has been classified as a Variant of Uncertain Significance.

Stanford Center for Inherited Cardiovascular Disease, Stanford University
Classification: Uncertain significance. Last evaluated: 2016-03-10. Review status: criteria provided, single submitter. Criteria: ACMG Guidelines, 2015. Collection method: provider interpretation. Allele origin: germline.